The following is an entry in ClinVar:

ClinVar aggregate classification (germline): Conflicting classifications of pathogenicity. Review status: criteria provided, conflicting classifications (1 of 4 stars). 4 submissions from 4 submitters: Uncertain significance (2); Likely benign (2). Last evaluated 2025-09-10.

Conditions:
Long QT syndrome (LQTS). Identifiers: MedGen C0023976, MeSH D008133, MONDO:0002442. Disease mechanism: loss of function. Inheritance: Various modes of inheritance.
Cardiovascular phenotype. Identifiers: MedGen CN230736.
Cardiac arrhythmia, ankyrin-B-related. Also called: ANKYRIN-B SYNDROME. Identifiers: Orphanet 101016, Orphanet 768, MedGen C1970119, MONDO:0010958, OMIM 600919.

Allele frequency attached by ClinVar (database versions not stated): ExAC 0.00002; gnomAD 0.00002; gnomAD exomes 0.00002 and 0.00003; TOPMed 0.00003.
gnomAD v4.1: 43 of 1,613,968 alleles (0.0027%); highest among the groups gnomAD compares: Non-Finnish European, 0.0031%; no homozygotes.

Submissions (4):

Labcorp Genetics (formerly Invitae), Labcorp
Classification: Uncertain significance for Long QT syndrome. Last evaluated: 2025-09-10. Review status: criteria provided, single submitter. Criteria: Invitae Variant Classification Sherloc (09022015). Collection method: clinical testing. Allele origin: germline.
Comment: This sequence change replaces valine, which is neutral and non-polar, with methionine, which is neutral and non-polar, at codon 921 of the ANK2 protein (p.Val921Met). This variant is present in population databases (rs777302517, gnomAD 0.01%). This variant has not been reported in the literature in individuals affected with ANK2-related conditions. ClinVar contains an entry for this variant (Variation ID: 1367968). Invitae Evidence Modeling of protein sequence and biophysical properties (such as structural, functional, and spatial information, amino acid conservation, physicochemical variation, residue mobility, and thermodynamic stability) indicates that this missense variant is not expected to disrupt ANK2 protein function with a negative predictive value of 80%. In summary, the available evidence is currently insufficient to determine the role of this variant in disease. Therefore, it has been classified as a Variant of Uncertain Significance.

Ambry Genetics
Classification: Likely benign for Cardiovascular phenotype. Last evaluated: 2024-11-21. Review status: criteria provided, single submitter. Criteria: Ambry Variant Classification Scheme 2023. Collection method: clinical testing. Allele origin: germline.

Blueprint Genetics
Classification: Likely benign. Last evaluated: 2022-06-13. Review status: criteria provided, single submitter. Criteria: ACMG Guidelines, 2015. Collection method: clinical testing. Allele origin: germline.

Fulgent Genetics
Classification: Uncertain significance for Cardiac arrhythmia, ankyrin-B-related. Last evaluated: 2021-09-13. Review status: criteria provided, single submitter. Criteria: ACMG Guidelines, 2015. Collection method: clinical testing. Allele origin: unknown.

NM_001148.6(ANK2):c.2761G>A (p.Val921Met)

Gene: ANK2 (ankyrin 2; plus strand). Cytogenetic location: 4q26.
Variant type: single nucleotide variant.
Coding change: c.2761G>A on transcript NM_001148.6 (MANE Select); coding-DNA position 2761, G replaced by A.
Protein change: p.Val921Met; replaces valine 921 with methionine.
Molecular consequence: missense variant.
Genome position (GRCh38, 1-based): chr4:113,317,774, G>A. VCF-style: chr4-113317774-G-A. GRCh37 (hg19) VCF-style: chr4-114238930-G-A.
Other names: c.2698G>A, p.Val900Met (NM_001127493.3, NM_001354243.2, NM_001354255.2 and 3 more transcripts); c.2773G>A, p.Val925Met (NM_001354225.2); c.2761G>A, p.Val921Met (NM_001354228.2, NM_001354232.2, NM_001354258.2 and 1 more transcripts); c.2803G>A, p.Val935Met (NM_001354230.2, NM_001354231.2, NM_001354237.2 and 1 more transcripts); c.2758G>A, p.Val920Met (NM_001354235.2, NM_001354236.2, NM_001354246.2 and 1 more transcripts); c.2695G>A, p.Val899Met (NM_001354239.2, NM_001354244.2, NM_001354252.2 and 3 more transcripts); c.2806G>A, p.Val936Met (NM_001354240.2, NM_001354241.2, NM_001386144.1); c.2662G>A, p.Val888Met (NM_001354245.2, NM_001354268.2); and 18 more; short protein forms V826M, V859M, V892M, V899M, V793M, V850M, V887M, V909M.
Identifiers: ClinVar variation 1367968 (VCV001367968.9), dbSNP rs777302517, ClinGen allele CA3050660.